The following is an entry in ClinVar:

NM_014159.7(SETD2):c.4003C>T (p.Arg1335Cys)

Gene: SETD2 (SET domain containing 2, histone lysine methyltransferase; minus strand). Cytogenetic location: 3p21.31.
Variant type: single nucleotide variant.
Coding change: c.4003C>T on transcript NM_014159.7 (MANE Select); coding-DNA position 4003, C replaced by T.
Protein change: p.Arg1335Cys; replaces arginine 1335 with cysteine.
Molecular consequence: missense variant. On other transcripts: non-coding transcript variant (1).
Genome position (GRCh38, 1-based): chr3:47,120,633, G>A on the plus strand (C>T on the coding strand, the complement: SETD2 is on the minus strand). VCF-style: chr3-47120633-G-A. GRCh37 (hg19) VCF-style: chr3-47162123-G-A.
Other names: c.3871C>T, p.Arg1291Cys (NM_001349370.3); short protein forms R1291C, R1335C.
Identifiers: ClinVar variation 1003779 (VCV001003779.5), dbSNP rs1216047088, ClinGen allele CA352519253.
Genomic context (GRCh38, chr3:47,120,633, plus strand): 5'-TATCGGACTGGTCTGAAAAATGGGATCCATCCTGTTGATCCCAATTCTCCTCTTCTTCAC[G>A]ATCATCTGTTAGGGAATCTGGTACTTGTCCTTGAGTTCGATCATACACAACCCCAGTTCC-3'
Protein context (NP_054878.5, residues 1325-1345): GQVPDSLTDD[Arg1335Cys]EEEENWDQQD

ClinVar aggregate classification (germline): Uncertain significance (1 of 4 stars; one submission).

Conditions:
Luscan-Lumish syndrome. Identifiers: Orphanet 597738, MedGen C4085873, MONDO:0014791, OMIM 616831.

gnomAD v4.1: 16 of 1,613,948 alleles (0.00099%); highest among the groups gnomAD compares: East Asian, 0.0067%; no homozygotes.

Submission:

Labcorp Genetics (formerly Invitae), Labcorp
Classification: Uncertain significance for Luscan-Lumish syndrome. Last evaluated: 2020-08-21. Review status: criteria provided, single submitter. Criteria: Invitae Variant Classification Sherloc (09022015). Collection method: clinical testing. Allele origin: germline.
Comment: This sequence change replaces arginine with cysteine at codon 1335 of the SETD2 protein (p.Arg1335Cys). The arginine residue is moderately conserved and there is a large physicochemical difference between arginine and cysteine. This variant is not present in population databases (ExAC no frequency). This variant has not been reported in the literature in individuals with SETD2-related conditions. Algorithms developed to predict the effect of missense changes on protein structure and function are either unavailable or do not agree on the potential impact of this missense change (SIFT: "Tolerated"; PolyPhen-2: "Possibly Damaging"; Align-GVGD: "Class C0"). In summary, the available evidence is currently insufficient to determine the role of this variant in disease. Therefore, it has been classified as a Variant of Uncertain Significance.